The following is an entry in ClinVar:

ClinVar aggregate classification (germline): Pathogenic (1 of 4 stars; one submission).

Conditions:
Nephroblastoma. Also called: Wilms' tumor; Wilms tumor. Identifiers: Orphanet 654, MedGen C0027708, MeSH D009396, MONDO:0006058, HP:0002667.

Submission:

NPCF Sunshine Lab, H. Lee Moffitt Cancer Center and Research Institute
Classification: Pathogenic for Nephroblastoma. Last evaluated: 2020-07-13. Review status: criteria provided, single submitter. Criteria: ACMG Guidelines, 2015. Collection method: research. Allele origin: germline. Inheritance: Autosomal dominant inheritance. Affected: yes. Observed: 1 heterozygote.
Comment: Variant is nonsense in gene with multiple publications of LoF mutations in disease (PMID:29912901; PMID:30543698; PMID:30694527; PMID:30885698). Neither variant nor any truncations observed in EXaC r0.3.1. Neither variant nor any nonsense variants observed in gnomAD v2.1.1 (5 frameshift alleles observed in 141,456 samples). Siblings both have homozygous variant in tumor sample, and available blood sample from one sibling is heterozygous. Evidence of copy-neutral LOH in both siblings' tumor samples in gene region (loss of 50% AF, no loss in depth of coverage).

Literature cited by the submitters: PubMed 32699065.

NM_005762.3(TRIM28):c.2101C>T (p.Gln701Ter)

Gene: TRIM28 (tripartite motif containing 28; plus strand). Cytogenetic location: 19q13.43.
Variant type: single nucleotide variant.
Coding change: c.2101C>T on transcript NM_005762.3 (MANE Select); coding-DNA position 2101, C replaced by T.
Protein change: p.Gln701Ter; replaces glutamine 701 with a stop codon.
Molecular consequence: nonsense.
Genome position (GRCh38, 1-based): chr19:58,549,855, C>T. VCF-style: chr19-58549855-C-T. GRCh37 (hg19) VCF-style: chr19-59061222-C-T.
Other names: short protein forms Q701*.
Identifiers: ClinVar variation 973190 (VCV000973190.3), dbSNP rs2053798835, ClinGen allele CA407920507.